The following is an entry in ClinVar:

ClinVar aggregate classification (germline): Conflicting classifications of pathogenicity. Review status: criteria provided, conflicting classifications (1 of 4 stars). 2 submissions from 2 submitters: Uncertain significance (1); Likely benign (1). Last evaluated 2025-10-13.

Conditions:
POLD1-related polyposis and colorectal cancer syndrome (CRCS10). Also called: Colorectal cancer, susceptibility to, 10; Colorectal cancer 10; COLORECTAL CANCER, SUSCEPTIBILITY TO, ON CHROMOSOME 19q. Identifiers: Orphanet 220460, MedGen C2675481, MONDO:0012953, OMIM 612591.

Allele frequency attached by ClinVar (database versions not stated): gnomAD 0.00001; TOPMed below 0.00001.

Submissions (2):

Labcorp Genetics (formerly Invitae), Labcorp
Classification: Likely benign for POLD1-related polyposis and colorectal cancer syndrome. Last evaluated: 2025-10-13. Review status: criteria provided, single submitter. Criteria: Invitae Variant Classification Sherloc (09022015). Collection method: clinical testing. Allele origin: germline.

GeneDx
Classification: Uncertain significance. Last evaluated: 2019-05-30. Review status: criteria provided, single submitter. Criteria: GeneDx Variant Classification Process June 2021. Collection method: clinical testing. Allele origin: germline. Affected: yes.
Comment: Not observed in large population cohorts (Lek et al., 2016); Has not been previously published as pathogenic or benign to our knowledge; In-silico analysis, which includes splice predictors and evolutionary conservation, is inconclusive as to whether the variant alters gene splicing. In the absence of RNA/functional studies, the actual effect of this sequence change is unknown.

NM_002691.4(POLD1):c.1138-11C>A

Gene: POLD1 (DNA polymerase delta 1, catalytic subunit; plus strand). Cytogenetic location: 19q13.33.
Variant type: single nucleotide variant.
Coding change: c.1138-11C>A on transcript NM_002691.4 (MANE Select); 11 bases into the intron before coding-DNA position 1138, C replaced by A.
Molecular consequence: intron variant.
Genome position (GRCh38, 1-based): chr19:50,403,482, C>A. VCF-style: chr19-50403482-C-A. GRCh37 (hg19) VCF-style: chr19-50906739-C-A.
Other names: c.1138-11C>A (NM_001256849.1, NM_001308632.1).
Identifiers: ClinVar variation 1306277 (VCV001306277.9), dbSNP rs2038744386, ClinGen allele CA996799805.
Genomic context (GRCh38, chr19:50,403,482, plus strand): 5'-GAACATTCTGGAAGTAGGGGAATCCGAGGCAGGGCAACCACCAGGGTGACCCAATGTGCT[C>A]CCACCCCCAGGCCTGGTCCACCTTCATCCGTATCATGGACCCCGACGTGATCACCGGTTA-3'